The following is an entry in ClinVar:

NM_052844.4(DYNC2I2):c.472C>T (p.Gln158Ter)

Gene: DYNC2I2 (dynein 2 intermediate chain 2; minus strand). Cytogenetic location: 9q34.11.
Variant type: single nucleotide variant.
Coding change: c.472C>T on transcript NM_052844.4 (MANE Select); coding-DNA position 472, C replaced by T.
Protein change: p.Gln158Ter; replaces glutamine 158 with a stop codon.
Molecular consequence: nonsense.
Genome position (GRCh38, 1-based): chr9:128,636,991, G>A on the plus strand (C>T on the coding strand, the complement: DYNC2I2 is on the minus strand). VCF-style: chr9-128636991-G-A. GRCh37 (hg19) VCF-style: chr9-131399270-G-A.
Other names: short protein forms Q158*.
Identifiers: ClinVar variation 97044 (VCV000097044.8), dbSNP rs587777097, ClinGen allele CA210605.
Genomic context (GRCh38, chr9:128,636,991, plus strand): 5'-AGGCCACCACAGAGCCAGTGGAGTTCCAGGAGATGCTGGTCACATGCAGACCCTGCGCTT[G>A]GGCTGGCGGGTAGCCCAGGGTATACAGACAAGACACCTGCGGAGACGTCCCCAACCCTGA-3'

ClinVar aggregate classification (germline): Pathogenic. Review status: criteria provided, single submitter (1 of 4 stars). 2 submissions from 2 submitters: Pathogenic (1). 1 of the submissions does not count toward it. Last evaluated 2024-10-22.

Conditions:
Short-rib thoracic dysplasia 11 with or without polydactyly (SRTD11). Also called: SHORT-RIB THORACIC DYSPLASIA 11 WITHOUT POLYDACTYLY. Identifiers: Orphanet 474, Orphanet 93271, MedGen C3810200, MONDO:0014287, OMIM 615633.

Allele frequency attached by ClinVar (database versions not stated): gnomAD 0.00003 and 0.00002; gnomAD exomes 0.00001; ExAC 0.00002; TOPMed 0.00001.
gnomAD v4.1: 22 of 1,613,322 alleles (0.0014%); highest among the groups gnomAD compares: Non-Finnish European, 0.0018%; no homozygotes.

Submissions (2):

Labcorp Genetics (formerly Invitae), Labcorp
Classification: Pathogenic for Short-rib thoracic dysplasia 11 with or without polydactyly. Last evaluated: 2024-10-22. Review status: criteria provided, single submitter. Criteria: Invitae Variant Classification Sherloc (09022015). Collection method: clinical testing. Allele origin: germline.
Comment: This sequence change creates a premature translational stop signal (p.Gln158*) in the WDR34 gene. It is expected to result in an absent or disrupted protein product. Loss-of-function variants in WDR34 are known to be pathogenic (PMID: 24183449, 24183451, 28379358). This variant is present in population databases (rs587777097, gnomAD 0.004%). This premature translational stop signal has been observed in individual(s) with Jeune asphyxiating thoracic dysplasia (PMID: 24183451). ClinVar contains an entry for this variant (Variation ID: 97044). Algorithms developed to predict the effect of sequence changes on RNA splicing suggest that this variant may disrupt the consensus splice site. For these reasons, this variant has been classified as Pathogenic.

OMIM
Classification: Pathogenic for SHORT-RIB THORACIC DYSPLASIA 11 WITHOUT POLYDACTYLY. Last evaluated: 2013-11-07. Review status: no assertion criteria provided. Collection method: literature only. Allele origin: germline. Not counted in ClinVar's aggregate classification.

Literature cited by the submitters: PubMed 24183449 (cited by Labcorp Genetics (formerly Invitae), Labcorp); PubMed 24183451 (cited by Labcorp Genetics (formerly Invitae), Labcorp and OMIM); PubMed 28379358 (cited by Labcorp Genetics (formerly Invitae), Labcorp).